The following is an entry in ClinVar:

ClinVar aggregate classification (germline): Uncertain significance (1 of 4 stars; one submission).

Conditions:
Hereditary cancer-predisposing syndrome. Also called: Neoplastic Syndromes, Hereditary; Tumor predisposition; Hereditary neoplastic syndrome; Hereditary Cancer Syndrome. Identifiers: Orphanet 140162, MedGen C0027672, MeSH D009386, MONDO:0015356.

Submission:

Ambry Genetics
Classification: Uncertain significance for Hereditary cancer-predisposing syndrome. Last evaluated: 2026-07-23. Review status: criteria provided, single submitter. Criteria: Ambry Variant Classification Scheme 2023. Collection method: clinical testing. Allele origin: germline.
Comment: The p.C1146F variant (also known as c.3437G>T), located in coding exon 9 of the BRCA1 gene, results from a G to T substitution at nucleotide position 3437. The cysteine at codon 1146 is replaced by phenylalanine, an amino acid with highly dissimilar properties. This amino acid position is conserved. In addition, the in silico prediction for this alteration is inconclusive. Based on the available evidence, the clinical significance of this variant remains unclear.

NM_007294.4(BRCA1):c.3437G>T (p.Cys1146Phe)

Genes: BRCA1 (BRCA1 DNA repair associated; minus strand), LOC126862571 (BRD4-independent group 4 enhancer GRCh37_chr17:41243136-41244335; plus strand). Cytogenetic location: 17q21.31.
Variant type: single nucleotide variant.
Coding change: c.3437G>T on transcript NM_007294.4 (MANE Select); coding-DNA position 3437, G replaced by T.
Protein change: p.Cys1146Phe; replaces cysteine 1146 with phenylalanine.
Molecular consequence: missense variant. On other transcripts: intron variant (135).
Genome position (GRCh38, 1-based): chr17:43,092,094, C>A on the plus strand (G>T on the coding strand, the complement: BRCA1 is on the minus strand). VCF-style: chr17-43092094-C-A. GRCh37 (hg19) VCF-style: chr17-41244111-C-A.
Other names: c.587-1062G>T (NM_001408476.1, NM_001408474.1); c.710-1062G>T (NM_001408409.1, NM_001408414.1, NM_001408411.1 and 2 more transcripts); c.575-1062G>T (NM_001408493.1, NM_001408490.1, NM_001408491.1); c.455-1062G>T (NM_001408502.1); c.578-1062G>T (NM_001408489.1, NM_001408479.1, NM_001408482.1 and 9 more transcripts); c.662-1062G>T (NM_001408445.1, NM_001408432.1, NM_001408450.1 and 6 more transcripts); c.668-1062G>T (NM_001408431.1, NM_001408424.1, NM_001408421.1); c.785-1062G>T (NM_001408407.1, NM_001408402.1, NM_001408473.1 and 13 more transcripts); and 41 more; short protein forms C1058F, C1076F, C1104F, C1119F, C1120F, C850F, C1018F, C1078F.
Identifiers: ClinVar variation 5033196 (VCV005033196.1).